The following is an entry in ClinVar:

ClinVar aggregate classification (germline): Pathogenic. Review status: criteria provided, single submitter (1 of 4 stars). 2 submissions from 2 submitters: Pathogenic (1). 1 of the submissions does not count toward it. Last evaluated 2024-07-04.

Conditions:
Becker muscular dystrophy (BMD). Also called: MUSCULAR DYSTROPHY, PSEUDOHYPERTROPHIC PROGRESSIVE, BECKER TYPE; Becker Muscular Dystrophy (BMD). Identifiers: Orphanet 98895, MedGen C0917713, MONDO:0010311, OMIM 300376.
Duchenne muscular dystrophy (DMD). Also called: MUSCULAR DYSTROPHY, PSEUDOHYPERTROPHIC PROGRESSIVE, DUCHENNE TYPE; Duchenne Muscular Dystrophy (DMD). Identifiers: Orphanet 98896, MedGen C0013264, MONDO:0010679, OMIM 310200.

Submissions (2):

Labcorp Genetics (formerly Invitae), Labcorp
Classification: Pathogenic for Duchenne muscular dystrophy. Last evaluated: 2024-07-04. Review status: criteria provided, single submitter. Criteria: Invitae Variant Classification Sherloc (09022015). Collection method: clinical testing. Allele origin: germline.
Comment: This sequence change replaces lysine, which is basic and polar, with asparagine, which is neutral and polar, at codon 534 of the DMD protein (p.Lys534Asn). RNA analysis indicates that this missense change induces altered splicing and likely results in a shortened protein product. This variant is not present in population databases (gnomAD no frequency). This missense change has been observed in individual(s) with Becker muscular dystrophy (PMID: 8279470). This variant is also known as G-to-T change at nucleotide 1810. ClinVar contains an entry for this variant (Variation ID: 11248). An algorithm developed to predict the effect of missense changes on protein structure and function (PolyPhen-2) suggests that this variant is likely to be disruptive. Variants that disrupt the consensus splice site are a relatively common cause of aberrant splicing (PMID: 17576681, 9536098). Studies have shown that this missense change results in skipping of exon 13, but is expected to preserve the integrity of the reading-frame (PMID: 8279470). This variant disrupts the c.1602G nucleotide in the DMD gene. Other variant(s) that disrupt this nucleotide have been determined to be pathogenic (PMID: 31443951, 31706698; Invitae). This suggests that this nucleotide is clinically significant, and that variants that disrupt this position are likely to be disease-causing. For these reasons, this variant has been classified as Pathogenic.

OMIM
Classification: Pathogenic for BECKER MUSCULAR DYSTROPHY. Last evaluated: 1994-01-01. Review status: no assertion criteria provided. Collection method: literature only. Allele origin: germline. Not counted in ClinVar's aggregate classification.

Literature cited by the submitters: PubMed 8279470 (cited by Labcorp Genetics (formerly Invitae), Labcorp and OMIM); PubMed 17576681 (cited by Labcorp Genetics (formerly Invitae), Labcorp); PubMed 9536098 (cited by Labcorp Genetics (formerly Invitae), Labcorp); PubMed 31443951 (cited by Labcorp Genetics (formerly Invitae), Labcorp); PubMed 31706698 (cited by Labcorp Genetics (formerly Invitae), Labcorp).

NM_004006.3(DMD):c.1602G>T (p.Lys534Asn)

Gene: DMD (dystrophin; minus strand). Cytogenetic location: Xp21.1.
Variant type: single nucleotide variant.
Coding change: c.1602G>T on transcript NM_004006.3 (MANE Select); coding-DNA position 1602, G replaced by T.
Protein change: p.Lys534Asn; replaces lysine 534 with asparagine.
Molecular consequence: missense variant.
Genome position (GRCh38, 1-based): chrX:32,595,757, C>A on the plus strand (G>T on the coding strand, the complement: DMD is on the minus strand). VCF-style: chrX-32595757-C-A. GRCh37 (hg19) VCF-style: chrX-32613874-C-A.
Other names: IVS13, G-T, -1; c.1578G>T, p.Lys526Asn (NM_000109.4); c.1590G>T, p.Lys530Asn (NM_004009.3); c.1233G>T, p.Lys411Asn (NM_004010.3); short protein forms K411N, K526N, K530N, K534N.
Identifiers: ClinVar variation 11248 (VCV000011248.4), dbSNP rs1556834513, ClinGen allele CA412665250.
Genomic context (GRCh38, chrX:32,595,757, plus strand): 5'-CTTTTCAAGTTATAGTTCTTTTAAAGGACATATTTAGTTTACTAAGCAAAATAATCTGAC[C>A]TTAAGTTGTTCTTCCAAAGCAGCAGTTGCGTGATCTCCACTAGATTCATCAACTACCACC-3'
Protein context (NP_003997.2, residues 524-544): HATAALEEQL[Lys534Asn]VLGDRWANIC